The following is an entry in ClinVar:

ClinVar aggregate classification (germline): Pathogenic (1 of 4 stars; one submission).

Conditions:
Duchenne muscular dystrophy (DMD). Also called: MUSCULAR DYSTROPHY, PSEUDOHYPERTROPHIC PROGRESSIVE, DUCHENNE TYPE; Duchenne Muscular Dystrophy (DMD). Identifiers: Orphanet 98896, MedGen C0013264, MONDO:0010679, OMIM 310200.

Submission:

Labcorp Genetics (formerly Invitae), Labcorp
Classification: Pathogenic for Duchenne muscular dystrophy. Last evaluated: 2025-10-08. Review status: criteria provided, single submitter. Criteria: Invitae Variant Classification Sherloc (09022015). Collection method: clinical testing. Allele origin: germline.
Comment: This sequence change inserts a large fragment of DNA, likely a transposable element, in exon 71 of the DMD gene (c.10260_10261ins?), causing a frameshift at codon 3421 (p.Ala3421fs). The exact size and sequence of the insertion cannot be determined by the current assay. However, the insertion is expected to result in an absent or disrupted protein product. This variant is not present in population databases (gnomAD no frequency). This variant has not been reported in the literature in individuals affected with DMD-related conditions. Retrotransposon insertions including LINE1 (L1), Alu, and SVA (SINE-VNTR-Alu) have been reported to be disease-causing through disruption of either a coding region or splice site (PMID: 19763152, 20307669, 22406018) and loss-of-function variants in DMD are known to be pathogenic (PMID: 16770791, 25007885). For these reasons, this variant has been classified as Pathogenic.

Literature cited by the submitters: PubMed 19763152; PubMed 20307669; PubMed 22406018; PubMed 16770791; PubMed 25007885.

NM_004006.3(DMD):c.10260_10261insTTTTTTTTTTTTTTTTTTTTNNNNNNNNNNTTCCACAAAGCCTCCATTGTCATCCTGGCCCGTTCTCAATGAGCTGTTGGGCACACCTCCCAGACGGGGTGGTGCTGGCCAGTAGATTCT (p.Ala3421delinsPhePhePhePhePhePheXaaXaaXaaXaaPheHisLysAlaSerIleValIleLeuAlaArgSerGlnTer)

Gene: DMD (dystrophin; minus strand). Cytogenetic location: Xp21.2.
Variant type: Insertion.
Coding change: c.10260_10261insTTTTTTTTTTTTTTTTTTTTNNNNNNNNNNTTCCACAAAGCCTCCATTGTCATCCTGGCCCGTTCTCAATGAGCTGTTGGGCACACCTCCCAGACGGGGTGGTGCTGGCCAGTAGATTCT on transcript NM_004006.3 (MANE Select); coding-DNA positions 10260 to 10261, TTTTTTTTTTTTTTTTTTTTNNNNNNNNNNTTCCACAAAGCCTCCATTGTCATCCTGGCCCGTTCTCAATGAGCTGTTGGGCACACCTCCCAGACGGGGTGGTGCTGGCCAGTAGATTCT inserted.
Protein change: p.Ala3421delinsPhePhePhePhePhePheXaaXaaXaaXaaPheHisLysAlaSerIleValIleLeuAlaArgSerGlnTer.
Molecular consequence: nonsense. On other transcripts: intron variant (5).
Genome position: GRCh38: chrX:31,177,949-31,177,950. GRCh37 (hg19): chrX:31,196,066-31,196,067.
Other names: c.10236_10237insTTTTTTTTTTTTTTTTTTTTNNNNNNNNNNTTCCACAAAGCCTCCATTGTCATCCTGGCCCGTTCTCAATGAGCTGTTGGGCACACCTCCCAGACGGGGTGGTGCTGGCCAGTAGATTCT, p.Ala3413delinsPhePhePhePhePhePheXaaXaaXaaXaaPheHisLysAlaSerIleValIleLeuAlaArgSerGlnTer (NM_000109.4); c.10248_10249insTTTTTTTTTTTTTTTTTTTTNNNNNNNNNNTTCCACAAAGCCTCCATTGTCATCCTGGCCCGTTCTCAATGAGCTGTTGGGCACACCTCCCAGACGGGGTGGTGCTGGCCAGTAGATTCT, p.Ala3417delinsPhePhePhePhePhePheXaaXaaXaaXaaPheHisLysAlaSerIleValIleLeuAlaArgSerGlnTer (NM_004009.3); c.9891_9892insTTTTTTTTTTTTTTTTTTTTNNNNNNNNNNTTCCACAAAGCCTCCATTGTCATCCTGGCCCGTTCTCAATGAGCTGTTGGGCACACCTCCCAGACGGGGTGGTGCTGGCCAGTAGATTCT, p.Ala3298delinsPhePhePhePhePhePheXaaXaaXaaXaaPheHisLysAlaSerIleValIleLeuAlaArgSerGlnTer (NM_004010.3); c.6237_6238insTTTTTTTTTTTTTTTTTTTTNNNNNNNNNNTTCCACAAAGCCTCCATTGTCATCCTGGCCCGTTCTCAATGAGCTGTTGGGCACACCTCCCAGACGGGGTGGTGCTGGCCAGTAGATTCT, p.Ala2080delinsPhePhePhePhePhePheXaaXaaXaaXaaPheHisLysAlaSerIleValIleLeuAlaArgSerGlnTer (NM_004011.4); c.6228_6229insTTTTTTTTTTTTTTTTTTTTNNNNNNNNNNTTCCACAAAGCCTCCATTGTCATCCTGGCCCGTTCTCAATGAGCTGTTGGGCACACCTCCCAGACGGGGTGGTGCTGGCCAGTAGATTCT, p.Ala2077delinsPhePhePhePhePhePheXaaXaaXaaXaaPheHisLysAlaSerIleValIleLeuAlaArgSerGlnTer (NM_004012.4); c.2880_2881insTTTTTTTTTTTTTTTTTTTTNNNNNNNNNNTTCCACAAAGCCTCCATTGTCATCCTGGCCCGTTCTCAATGAGCTGTTGGGCACACCTCCCAGACGGGGTGGTGCTGGCCAGTAGATTCT, p.Ala961delinsPhePhePhePhePhePheXaaXaaXaaXaaPheHisLysAlaSerIleValIleLeuAlaArgSerGlnTer (NM_004013.3, NM_004021.3); c.2073_2074insTTTTTTTTTTTTTTTTTTTTNNNNNNNNNNTTCCACAAAGCCTCCATTGTCATCCTGGCCCGTTCTCAATGAGCTGTTGGGCACACCTCCCAGACGGGGTGGTGCTGGCCAGTAGATTCT, p.Ala692delinsPhePhePhePhePhePheXaaXaaXaaXaaPheHisLysAlaSerIleValIleLeuAlaArgSerGlnTer (NM_004014.3); c.1056_1057insTTTTTTTTTTTTTTTTTTTTNNNNNNNNNNTTCCACAAAGCCTCCATTGTCATCCTGGCCCGTTCTCAATGAGCTGTTGGGCACACCTCCCAGACGGGGTGGTGCTGGCCAGTAGATTCT, p.Ala353delinsPhePhePhePhePhePheXaaXaaXaaXaaPheHisLysAlaSerIleValIleLeuAlaArgSerGlnTer (NM_004015.3, NM_004016.3); and 2 more.
Identifiers: ClinVar variation 2814639 (VCV002814639.3), dbSNP rs2519909386.